The following is an entry in ClinVar:

ClinVar aggregate classification (germline): Pathogenic (1 of 4 stars; one submission).

Conditions:
Alstrom syndrome (ALMS). Identifiers: Orphanet 64, MedGen C0268425, MONDO:0008763, OMIM 203800.

Submission:

Labcorp Genetics (formerly Invitae), Labcorp
Classification: Pathogenic for Alstrom syndrome. Last evaluated: 2024-10-18. Review status: criteria provided, single submitter. Criteria: Invitae Variant Classification Sherloc (09022015). Collection method: clinical testing. Allele origin: germline.
Comment: This sequence change creates a premature translational stop signal (p.Leu3031*) in the ALMS1 gene. It is expected to result in an absent or disrupted protein product. Loss-of-function variants in ALMS1 are known to be pathogenic (PMID: 17594715). This variant is not present in population databases (gnomAD no frequency). This variant has not been reported in the literature in individuals affected with ALMS1-related conditions. For these reasons, this variant has been classified as Pathogenic.

Literature cited by the submitters: PubMed 17594715.

NM_001378454.1(ALMS1):c.9089T>A (p.Leu3030Ter)

Gene: ALMS1 (ALMS1 centrosome and basal body associated protein; plus strand). Cytogenetic location: 2p13.1.
Variant type: single nucleotide variant.
Coding change: c.9089T>A on transcript NM_001378454.1 (MANE Select); coding-DNA position 9089, T replaced by A.
Protein change: p.Leu3030Ter; replaces leucine 3030 with a stop codon.
Molecular consequence: nonsense.
Genome position (GRCh38, 1-based): chr2:73,491,048, T>A. VCF-style: chr2-73491048-T-A. GRCh37 (hg19) VCF-style: chr2-73718175-T-A.
Other names: c.9092T>A, p.Leu3031Ter (NM_015120.4); short protein forms L3030*, L3031*.
Identifiers: ClinVar variation 3691173 (VCV003691173.2).